The following is an entry in ClinVar:

ClinVar aggregate classification (germline): Uncertain significance (1 of 4 stars; one submission).

Conditions:
Proteinuria. Identifiers: MedGen C0033687, MONDO:0003634, HP:0000093.

Submission:

Clinical Genetics Laboratory, Skane University Hospital Lund
Classification: Uncertain significance for Proteinuria. Last evaluated: 2024-10-08. Review status: criteria provided, single submitter. Criteria: ACMG Guidelines, 2015. Collection method: clinical testing. Allele origin: germline. Affected: yes.
Comment: ACMG criteria used: PM2, PP3

NM_002473.6(MYH9):c.3160G>A (p.Glu1054Lys)

Gene: MYH9 (myosin heavy chain 9; minus strand). Cytogenetic location: 22q12.3.
Variant type: single nucleotide variant.
Coding change: c.3160G>A on transcript NM_002473.6 (MANE Select); coding-DNA position 3160, G replaced by A.
Protein change: p.Glu1054Lys; replaces glutamic acid 1054 with lysine.
Molecular consequence: missense variant.
Genome position (GRCh38, 1-based): chr22:36,296,955, C>T on the plus strand (G>A on the coding strand, the complement: MYH9 is on the minus strand). VCF-style: chr22-36296955-C-T. GRCh37 (hg19) VCF-style: chr22-36693001-C-T.
Other names: short protein forms E1054K.
Identifiers: ClinVar variation 3769599 (VCV003769599.1).